The following is an entry in ClinVar:

NM_000051.4(ATM):c.2927T>C (p.Val976Ala)

Gene: ATM (ATM serine/threonine kinase; plus strand). Cytogenetic location: 11q22.3.
Variant type: single nucleotide variant.
Coding change: c.2927T>C on transcript NM_000051.4 (MANE Select); coding-DNA position 2927, T replaced by C.
Protein change: p.Val976Ala; replaces valine 976 with alanine.
Molecular consequence: missense variant.
Genome position (GRCh38, 1-based): chr11:108,271,256, T>C. VCF-style: chr11-108271256-T-C. GRCh37 (hg19) VCF-style: chr11-108141983-T-C.
Other names: c.2927T>C, p.Val976Ala (NM_001351834.2); c.2927T>C (NM_000051.1); short protein forms V976A.
Identifiers: ClinVar variation 187123 (VCV000187123.33), dbSNP rs146145357, ClinGen allele CA196789.

ClinVar aggregate classification (germline): Conflicting classifications of pathogenicity. Review status: criteria provided, conflicting classifications (1 of 4 stars). 12 submissions from 12 submitters: Uncertain significance (8); Likely benign (3). 1 of the submissions does not count toward it. Last evaluated 2026-01-28.

Conditions:
Hereditary cancer-predisposing syndrome. Also called: Hereditary Cancer Syndrome; Neoplastic Syndromes, Hereditary; Tumor predisposition; Hereditary neoplastic syndrome. Identifiers: Orphanet 140162, MedGen C0027672, MeSH D009386, MONDO:0015356.
Familial colorectal cancer type X. Identifiers: Orphanet 440437, MedGen C3896578, MONDO:0018604.
Hereditary cancer. Identifiers: MedGen C1333600.
Familial cancer of breast. Also called: BREAST CANCER, FAMILIAL; Hereditary breast cancer; hereditary breast carcinoma. Identifiers: Orphanet 227535, MedGen C0346153, MONDO:0016419, OMIM 114480. Disease mechanism: loss of function.
Ataxia-telangiectasia syndrome (AT). Also called: Ataxia-telangiectasia, complementation group D; AT, COMPLEMENTATION GROUP C; ATAXIA-TELANGIECTASIA, COMPLEMENTATION GROUP A; ATAXIA-TELANGIECTASIA, FRESNO VARIANT; Ataxia-telangiectasia; LOUIS-BAR SYNDROME. Identifiers: Orphanet 100, MedGen C0004135, MONDO:0008840, OMIM 208900.

Allele frequency attached by ClinVar (database versions not stated): gnomAD exomes 0.00001 and 0.00004; ExAC 0.00007; gnomAD 0.00014; TOPMed 0.00015; 1000 Genomes Project 0.00040; ESP Exome Variant Server 0.00046; 1000 Genomes Project 30x 0.00062.
gnomAD v4.1: 39 of 1,613,844 alleles (0.0024%); highest among the groups gnomAD compares: African/African-American, 0.049%; no homozygotes.

Submissions (12):

Labcorp Genetics (formerly Invitae), Labcorp
Classification: Uncertain significance for Ataxia-telangiectasia syndrome. Last evaluated: 2026-01-28. Review status: criteria provided, single submitter. Criteria: Invitae Variant Classification Sherloc (09022015). Collection method: clinical testing. Allele origin: germline.
Comment: This sequence change replaces valine, which is neutral and non-polar, with alanine, which is neutral and non-polar, at codon 976 of the ATM protein (p.Val976Ala). The frequency data for this variant in the population databases is considered unreliable, as metrics indicate poor data quality at this position in the gnomAD database. This missense change has been observed in individual(s) with acute myeloid leukemia and breast cancer (PMID: 26689913, 28503720). ClinVar contains an entry for this variant (Variation ID: 187123). Invitae Evidence Modeling of protein sequence and biophysical properties (such as structural, functional, and spatial information, amino acid conservation, physicochemical variation, residue mobility, and thermodynamic stability) indicates that this missense variant is not expected to disrupt ATM protein function with a negative predictive value of 95%. In summary, the available evidence is currently insufficient to determine the role of this variant in disease. Therefore, it has been classified as a Variant of Uncertain Significance.

Color Diagnostics, LLC DBA Color Health
Classification: Uncertain significance for Hereditary cancer-predisposing syndrome. Last evaluated: 2025-01-21. Review status: criteria provided, single submitter. Criteria: ACMG Guidelines, 2015. Collection method: clinical testing. Allele origin: germline.
Comment: This missense variant replaces valine with alanine at codon 976 of the ATM protein. Computational prediction suggests that this variant may not impact protein structure and function. To our knowledge, functional studies have not been reported for this variant. This variant has been reported in an individual affected with breast cancer (PMID: 28503720) and in an individual affected with acute myeloid leukemia (PMID: 26689913). This variant has also been identified in 9/246048 chromosomes in the general population by the Genome Aggregation Database (gnomAD). The available evidence is insufficient to determine the role of this variant in disease conclusively. Therefore, this variant is classified as a Variant of Uncertain Significance.

Quest Diagnostics Nichols Institute San Juan Capistrano
Classification: Uncertain significance. Last evaluated: 2025-01-07. Review status: criteria provided, single submitter. Criteria: Quest Diagnostics criteria. Collection method: clinical testing. Allele origin: unknown.

Myriad Genetics, Inc.
Classification: Likely benign for Familial cancer of breast. Last evaluated: 2024-05-10. Review status: criteria provided, single submitter. Criteria: Myriad Autosomal Dominant, Autosomal Recessive and X-Linked Classification Criteria (2023). Collection method: clinical testing. Allele origin: unknown.
Comment: This variant is considered likely benign. This variant is strongly associated with less severe personal and family histories of cancer, typical for individuals without pathogenic variants in this gene [PMID: 25085752].

Baylor Genetics
Classification: Uncertain significance for Familial cancer of breast. Last evaluated: 2024-03-19. Review status: criteria provided, single submitter. Criteria: ACMG Guidelines, 2015. Collection method: clinical testing. Allele origin: unknown.

Mendelics
Classification: Likely benign for Hereditary cancer. Last evaluated: 2024-01-23. Review status: criteria provided, single submitter. Criteria: ACMG Guidelines, 2015. Collection method: clinical testing. Allele origin: unknown.

Women's Health and Genetics/Laboratory Corporation of America, LabCorp
Classification: Uncertain significance. Last evaluated: 2022-06-09. Review status: criteria provided, single submitter. Criteria: LabCorp Variant Classification Summary - May 2015. Collection method: clinical testing. Allele origin: germline.
Comment: Variant summary: ATM c.2927T>C (p.Val976Ala) results in a non-conservative amino acid change in the encoded protein sequence. Three of five in-silico tools predict a damaging effect of the variant on protein function. The variant allele was found at a frequency of 3.6e-05 in 251230 control chromosomes, predominantly at a frequency of 0.00055 (9/16230) within the African or African-American subpopulation in the gnomAD database. It has also been observed at a frequency of 0.001172 (3/2559) within African Americans in women over seventy with no history of cancer (FLOSSIES database). The available data on variant occurrences in the general population are insufficient to allow any conclusion about variant significance. c.2927T>C has been reported in the literature in individuals affected with breast cancer and acute myeloid leukemia, without strong evidence for causality (example Haiman_2013, Lu_2015, Rummel_2017). To our knowledge, no experimental evidence demonstrating an impact on protein function has been reported. Seven clinical diagnostic laboratories have submitted clinical-significance assessments for this variant to ClinVar after 2014. Six laboratories classified the variant as VUS, and one as likely benign. Based on the evidence outlined above, the variant was classified as uncertain significance.

Department of Pathology and Laboratory Medicine, Sinai Health System
Classification: Uncertain significance for Familial colorectal cancer type X. Last evaluated: 2022-05-13. Review status: criteria provided, single submitter. Criteria: ACMG Guidelines, 2015. Collection method: clinical testing. Allele origin: germline. Affected: yes.

GeneDx
Classification: Uncertain significance. Last evaluated: 2021-11-16. Review status: criteria provided, single submitter. Criteria: GeneDx Variant Classification Process June 2021. Collection method: clinical testing. Allele origin: germline. Affected: yes.
Comment: In silico analysis supports that this missense variant does not alter protein structure/function; Identified in individuals with acute myelogenous leukemia, breast cancer, or renal cancer (Lu 2015, Rummel 2017, Yehia 2018); This variant is associated with the following publications: (PMID: 23555315, 28503720, 26689913, 29684080)

Athena Diagnostics
Classification: Uncertain significance. Last evaluated: 2021-06-02. Review status: criteria provided, single submitter. Criteria: Athena Diagnostics Criteria. Collection method: clinical testing. Allele origin: unknown.

Ambry Genetics
Classification: Likely benign for Hereditary cancer-predisposing syndrome. Last evaluated: 2018-04-18. Review status: criteria provided, single submitter. Criteria: Ambry Variant Classification Scheme 2023. Collection method: clinical testing. Allele origin: germline.

Counsyl
Classification: Uncertain significance for Ataxia-telangiectasia syndrome. Last evaluated: 2018-05-14. Review status: no assertion criteria provided. Collection method: clinical testing. Allele origin: unknown. Not counted in ClinVar's aggregate classification.

Literature cited by the submitters: PubMed 26689913 (cited by 5 submitters); PubMed 28503720 (cited by 5 submitters); PubMed 25085752 (cited by Myriad Genetics, Inc.); PubMed 23555315 (cited by Women's Health and Genetics/Laboratory Corporation of America, LabCorp and Athena Diagnostics).